The following is an entry in ClinVar:

NM_001048174.2(MUTYH):c.794A>T (p.Gln265Leu)

Gene: MUTYH (mutY DNA glycosylase; minus strand). Cytogenetic location: 1p34.1.
Variant type: single nucleotide variant.
Coding change: c.794A>T on transcript NM_001048174.2 (MANE Select); coding-DNA position 794, A replaced by T.
Protein change: p.Gln265Leu; replaces glutamine 265 with leucine.
Molecular consequence: missense variant. On other transcripts: non-coding transcript variant (7).
Genome position (GRCh38, 1-based): chr1:45,332,221, T>A on the plus strand (A>T on the coding strand, the complement: MUTYH is on the minus strand). VCF-style: chr1-45332221-T-A. GRCh37 (hg19) VCF-style: chr1-45797893-T-A.
Other names: c.797A>T, p.Gln266Leu (NM_001407078.1, NM_001407086.1, NM_001048172.2 and 1 more transcripts); c.755A>T, p.Gln252Leu (NM_001407079.1); c.752A>T, p.Gln251Leu (NM_001407080.1); c.794A>T, p.Gln265Leu (NM_001407081.1, NM_001407088.1, NM_001407089.1 and 6 more transcripts); c.449A>T, p.Gln150Leu (NM_001407082.1, NM_001350650.2, NM_001350651.2); c.836A>T, p.Gln279Leu (NM_001407083.1, NM_001407085.1); c.815A>T, p.Gln272Leu (NM_001407087.1); c.518A>T, p.Gln173Leu (NM_001407091.1, NM_001293192.2, NM_001293196.2); and 5 more; short protein forms Q173L, Q237L, Q265L, Q252L, Q266L, Q280L, Q290L, Q272L.
Identifiers: ClinVar variation 4113878 (VCV004113878.1).

ClinVar aggregate classification (germline): Uncertain significance (1 of 4 stars; one submission).

Conditions:
Hereditary cancer-predisposing syndrome. Also called: Hereditary neoplastic syndrome; Neoplastic Syndromes, Hereditary; Tumor predisposition; Hereditary Cancer Syndrome. Identifiers: Orphanet 140162, MedGen C0027672, MeSH D009386, MONDO:0015356.

Submission:

Ambry Genetics
Classification: Uncertain significance for Hereditary cancer-predisposing syndrome. Last evaluated: 2025-08-27. Review status: criteria provided, single submitter. Criteria: Ambry Variant Classification Scheme 2023. Collection method: clinical testing. Allele origin: germline.
Comment: The p.Q293L variant (also known as c.878A>T), located in coding exon 10 of the MUTYH gene, results from an A to T substitution at nucleotide position 878. The glutamine at codon 293 is replaced by leucine, an amino acid with dissimilar properties. This amino acid position is conserved. In addition, the in silico prediction for this alteration is inconclusive. Based on the available evidence, the clinical significance of this variant remains unclear.